The following is an entry in ClinVar:

ClinVar aggregate classification (germline): Pathogenic (1 of 4 stars; one submission).

Conditions:
Pulmonary fibrosis and/or bone marrow failure, Telomere-related, 4. Also called: PULMONARY FIBROSIS AND/OR BONE MARROW FAILURE SYNDROME, TELOMERE-RELATED, 4. Identifiers: Orphanet 2032, MedGen C4225347, MONDO:0014612, OMIM 616371.

Submission:

Institute of Human Genetics, University of Leipzig Medical Center
Classification: Pathogenic for Pulmonary fibrosis and/or bone marrow failure, Telomere-related, 4. Last evaluated: 2025-12-08. Review status: criteria provided, single submitter. Criteria: ACMG Guidelines, 2015. Collection method: clinical testing. Allele origin: unknown. Inheritance: Autosomal dominant inheritance. Affected: yes.
Comment: Criteria applied: PVS1,PM2

NM_002582.4(PARN):c.633del (p.Lys211fs)

Gene: PARN (poly(A)-specific ribonuclease; minus strand). Cytogenetic location: 16p13.12.
Variant type: Deletion.
Coding change: c.633del on transcript NM_002582.4 (MANE Select); coding-DNA position 633, one base deleted (A; older notation c.633delA).
Protein change: p.Lys211fs; shifts the reading frame from lysine 211.
Molecular consequence: frameshift variant.
Genome position (GRCh38, 1-based): chr16:14,608,307, T deleted on the plus strand (A on the coding strand, the reverse complement: PARN is on the minus strand); the first of 4 consecutive T bases (chr16:14,608,307-14,608,310); deleting any one gives the same sequence. VCF-style (leftmost placement, unchanged base first): chr16-14608306-GT-G. GRCh37 (hg19) VCF-style: chr16-14702163-GT-G.
Other names: c.450del, p.Lys150fs (NM_001134477.3); c.495del, p.Lys165fs (NM_001242992.2); short protein forms K150fs, K165fs, K211fs.
Identifiers: ClinVar variation 4291096 (VCV004291096.3).